The following is an entry in ClinVar:

ClinVar aggregate classification (germline): Pathogenic (1 of 4 stars; one submission).

Conditions:
Pendred syndrome (PDS). Also called: Pendred Syndrome (PDS); DEAFNESS WITH GOITER; GOITER-DEAFNESS SYNDROME; HYPOTHYROIDISM, CONGENITAL, DUE TO DYSHORMONOGENESIS, 2B; THYROID DYSHORMONOGENESIS 2B; THYROID HORMONOGENESIS, GENETIC DEFECT IN, 2B. Identifiers: Orphanet 705, MedGen C0271829, MONDO:0010134, OMIM 274600.

Submission:

Myriad Genetics, Inc.
Classification: Pathogenic for Pendred syndrome. Last evaluated: 2026-06-11. Review status: criteria provided, single submitter. Criteria: Myriad Autosomal Dominant, Autosomal Recessive and X-Linked Classification Criteria (2023). Collection method: clinical testing. Allele origin: unknown.
Comment: NM_000441.1(SLC26A4):c.830dupT(T278Hfs*9) is expected to be pathogenic in the context of Pendred syndrome. This variant is predicted to lead to an abnormal or absent protein product due to the creation of a premature termination codon in SLC26A4, a gene where loss-of-function variants are known to be pathogenic. Please note: this variant was assessed in the context of healthy population screening.

NM_000441.2(SLC26A4):c.830dup (p.Thr278fs)

Gene: SLC26A4 (solute carrier family 26 member 4; plus strand). Cytogenetic location: 7q22.3.
Variant type: Duplication.
Coding change: c.830dup on transcript NM_000441.2 (MANE Select); coding-DNA position 830, one base duplicated (T; older notation c.830dupT).
Protein change: p.Thr278fs; shifts the reading frame from threonine 278.
Molecular consequence: frameshift variant.
Genome position (GRCh38, 1-based): chr7:107,683,266, T duplicated. VCF-style (leftmost placement, unchanged base first): chr7-107683265-C-CT. GRCh37 (hg19) VCF-style: chr7-107323710-C-CT.
Other names: short protein forms T278fs.
Identifiers: ClinVar variation 5016030 (VCV005016030.1).
Genomic context (GRCh38, chr7:107,683,265, plus strand): 5'-CTGGTTGAGATTTTTCAAAATATTGGTGATACCAATCTTGCTGATTTCACTGCTGGATTG[C>CT]TCACCATTGTCGTCTGTATGGCAGTTAAGGAATTAAATGATCGGTTTAGACACAAAATCC-3'